The following is an entry in ClinVar:

ClinVar aggregate classification (germline): Uncertain significance (1 of 4 stars; one submission).

Allele frequency attached by ClinVar (database versions not stated): ExAC 0.00001; gnomAD exomes 0.00001; TOPMed 0.00001.
gnomAD v4.1: 7 of 1,208,961 alleles (0.00058%); highest among the groups gnomAD compares: East Asian, 0.003%; no homozygotes.

Submission:

Labcorp Genetics (formerly Invitae), Labcorp
Classification: Uncertain significance. Last evaluated: 2022-11-22. Review status: criteria provided, single submitter. Criteria: Invitae Variant Classification Sherloc (09022015). Collection method: clinical testing. Allele origin: germline.
Comment: This variant is present in population databases (rs757586471, gnomAD 0.008%). This sequence change replaces glutamic acid, which is acidic and polar, with lysine, which is basic and polar, at codon 224 of the GRIA3 protein (p.Glu224Lys). This variant has not been reported in the literature in individuals affected with GRIA3-related conditions. ClinVar contains an entry for this variant (Variation ID: 1354630). Advanced modeling of protein sequence and biophysical properties (such as structural, functional, and spatial information, amino acid conservation, physicochemical variation, residue mobility, and thermodynamic stability) performed at Invitae indicates that this missense variant is not expected to disrupt GRIA3 protein function. In summary, the available evidence is currently insufficient to determine the role of this variant in disease. Therefore, it has been classified as a Variant of Uncertain Significance.

NM_007325.5(GRIA3):c.670G>A (p.Glu224Lys)

Gene: GRIA3 (glutamate ionotropic receptor AMPA type subunit 3; plus strand). Cytogenetic location: Xq25.
Variant type: single nucleotide variant.
Coding change: c.670G>A on transcript NM_007325.5 (MANE Select); coding-DNA position 670, G replaced by A.
Protein change: p.Glu224Lys; replaces glutamic acid 224 with lysine.
Molecular consequence: missense variant.
Genome position (GRCh38, 1-based): chrX:123,326,187, G>A. VCF-style: chrX-123326187-G-A. GRCh37 (hg19) VCF-style: chrX-122460038-G-A.
Other names: c.670G>A, p.Glu224Lys (NM_000828.5); short protein forms E224K.
Identifiers: ClinVar variation 1354630 (VCV001354630.6), dbSNP rs757586471, ClinGen allele CA10506926.
Genomic context (GRCh38, chrX:123,326,187, plus strand): 5'-CGCATCATTGAAGAAATGGACAGGAGGCAGGAAAAGCGATACTTGATTGACTGCGAAGTC[G>A]AAAGGATTAACACAATTTTGGAACAGGTACGTTTGAGATTTATTTCACCGCCAGCCAACA-3'
Protein context (NP_015564.5, residues 214-234): EKRYLIDCEV[Glu224Lys]RINTILEQVV